The following is an entry in ClinVar:

ClinVar aggregate classification (germline): Conflicting classifications of pathogenicity. Review status: criteria provided, conflicting classifications (1 of 4 stars). 2 submissions from 2 submitters: Uncertain significance (1); Likely benign (1). Last evaluated 2023-03-23.

Conditions:
Hereditary cancer-predisposing syndrome. Also called: Hereditary Cancer Syndrome; Neoplastic Syndromes, Hereditary; Hereditary neoplastic syndrome; Tumor predisposition. Identifiers: Orphanet 140162, MedGen C0027672, MeSH D009386, MONDO:0015356.
Breast-ovarian cancer, familial, susceptibility to, 2 (BROVCA2). Also called: BRCA2 Hereditary Breast and Ovarian Cancer. Identifiers: Orphanet 145, MedGen C2675520, MONDO:0012933, OMIM 612555. Disease mechanism: loss of function.

Submissions (2):

University of Washington Department of Laboratory Medicine, University of Washington
Classification: Likely benign for Hereditary cancer-predisposing syndrome. Last evaluated: 2023-03-23. Review status: criteria provided, single submitter. Criteria: Dines et al. (Genet Med. 2020). Collection method: curation. Allele origin: germline.
Comment: Missense variant in a coldspot region where missense variants are very unlikely to be pathogenic (PMID:31911673).

BRCA2 exon 11 coldspot. Reclassification based on statistical prior probability.

Mendelics
Classification: Uncertain significance for Breast-ovarian cancer, familial, susceptibility to, 2. Last evaluated: 2019-05-28. Review status: criteria provided, single submitter. Criteria: Mendelics Assertion Criteria 2017. Collection method: clinical testing. Allele origin: unknown.

NM_000059.4(BRCA2):c.6322C>A (p.Arg2108Ser)

Gene: BRCA2 (BRCA2 DNA repair associated; plus strand). Cytogenetic location: 13q13.1.
Variant type: single nucleotide variant.
Coding change: c.6322C>A on transcript NM_000059.4 (MANE Select); coding-DNA position 6322, C replaced by A.
Protein change: p.Arg2108Ser; replaces arginine 2108 with serine.
Molecular consequence: missense variant.
Genome position (GRCh38, 1-based): chr13:32,340,677, C>A. VCF-style: chr13-32340677-C-A. GRCh37 (hg19) VCF-style: chr13-32914814-C-A.
Other names: short protein forms R2108S.
Identifiers: ClinVar variation 802939 (VCV000802939.3), dbSNP rs55794205, ClinGen allele CA387789066.